The following is an entry in ClinVar:

NM_001220.5(CAMK2B):c.36C>G (p.Asp12Glu)

Gene: CAMK2B (calcium/calmodulin dependent protein kinase II beta; minus strand). Cytogenetic location: 7p13.
Variant type: single nucleotide variant.
Coding change: c.36C>G on transcript NM_001220.5 (MANE Select); coding-DNA position 36, C replaced by G.
Protein change: p.Asp12Glu; replaces aspartic acid 12 with glutamic acid.
Molecular consequence: missense variant.
Genome position (GRCh38, 1-based): chr7:44,325,386, G>C on the plus strand (C>G on the coding strand, the complement: CAMK2B is on the minus strand). VCF-style: chr7-44325386-G-C. GRCh37 (hg19) VCF-style: chr7-44364985-G-C.
Other names: c.36C>G, p.Asp12Glu (NM_001293170.2, NM_172078.3, NM_172079.3 and 5 more transcripts); short protein forms D12E.
Identifiers: ClinVar variation 1223668 (VCV001223668.7), dbSNP rs1327510300, ClinGen allele CA367553356.

ClinVar aggregate classification (germline): Uncertain significance. Review status: criteria provided, multiple submitters, no conflicts (2 of 4 stars). 3 submissions from 3 submitters: Uncertain significance (3). Last evaluated 2026-03-03.

Conditions:
Inborn genetic diseases. Identifiers: MedGen C0950123, MeSH D030342.

gnomAD v4.1: 9 of 1,229,972 alleles (0.00073%); highest among the groups gnomAD compares: Non-Finnish European, 0.00094%; no homozygotes.

Submissions (3):

Ambry Genetics
Classification: Uncertain significance for Inborn genetic diseases. Last evaluated: 2026-03-03. Review status: criteria provided, single submitter. Criteria: Ambry Variant Classification Scheme 2023. Collection method: clinical testing. Allele origin: germline.
Comment: The c.36C>G (p.D12E) alteration is located in exon 1 (coding exon 1) of the CAMK2B gene. This alteration results from a C to G substitution at nucleotide position 36, causing the aspartic acid (D) at amino acid position 12 to be replaced by a glutamic acid (E). Based on data from gnomAD, the G allele has an overall frequency of 0.001% (1/158702) total alleles studied. The highest observed frequency was 0.001% (1/74932) of European (non-Finnish) alleles. Based on insufficient or conflicting evidence, the clinical significance of this alteration remains unclear.

Labcorp Genetics (formerly Invitae), Labcorp
Classification: Uncertain significance. Last evaluated: 2023-06-02. Review status: criteria provided, single submitter. Criteria: Invitae Variant Classification Sherloc (09022015). Collection method: clinical testing. Allele origin: germline.
Comment: In summary, the available evidence is currently insufficient to determine the role of this variant in disease. Therefore, it has been classified as a Variant of Uncertain Significance. An algorithm developed to predict the effect of missense changes on protein structure and function (PolyPhen-2) suggests that this variant is likely to be disruptive. ClinVar contains an entry for this variant (Variation ID: 1223668). This variant has not been reported in the literature in individuals affected with CAMK2B-related conditions. The frequency data for this variant in the population databases is considered unreliable, as metrics indicate poor data quality at this position in the gnomAD database. This sequence change replaces aspartic acid, which is acidic and polar, with glutamic acid, which is acidic and polar, at codon 12 of the CAMK2B protein (p.Asp12Glu).

GeneDx
Classification: Uncertain significance. Last evaluated: 2020-05-28. Review status: criteria provided, single submitter. Criteria: GeneDx Variant Classification Process June 2021. Collection method: clinical testing. Allele origin: germline. Affected: yes.
Comment: Not observed in large population cohorts (Lek et al., 2016); In silico analysis, which includes protein predictors and evolutionary conservation, supports a deleterious effect; Has not been previously published as pathogenic or benign to our knowledge